The following is an entry in ClinVar:

ClinVar aggregate classification (germline): Uncertain significance (1 of 4 stars; one submission).

Conditions:
Neuromuscular disease caused by qualitative or quantitative defects of dysferlin. Also called: Dysferlinopathy; Qualitative or quantitative defects of dysferlin. Identifiers: Orphanet 207073, MedGen C2931687, MONDO:0016145.

Allele frequency attached by ClinVar (database versions not stated): gnomAD exomes below 0.00001; ExAC 0.00001; gnomAD 0.00001; TOPMed 0.00001; ESP Exome Variant Server 0.00008.
gnomAD v4.1: 4 of 1,612,760 alleles (0.00025%); highest among the groups gnomAD compares: African/African-American, 0.0054%; no homozygotes.

Submission:

Labcorp Genetics (formerly Invitae), Labcorp
Classification: Uncertain significance for Neuromuscular disease caused by qualitative or quantitative defects of dysferlin. Last evaluated: 2022-04-23. Review status: criteria provided, single submitter. Criteria: Invitae Variant Classification Sherloc (09022015). Collection method: clinical testing. Allele origin: germline.
Comment: This sequence change replaces methionine, which is neutral and non-polar, with threonine, which is neutral and polar, at codon 428 of the DYSF protein (p.Met428Thr). This variant is present in population databases (rs376144240, gnomAD 0.007%). This variant has not been reported in the literature in individuals affected with DYSF-related conditions. Algorithms developed to predict the effect of missense changes on protein structure and function output the following: SIFT: "Tolerated"; PolyPhen-2: "Benign"; Align-GVGD: "Class C0". The threonine amino acid residue is found in multiple mammalian species, which suggests that this missense change does not adversely affect protein function. In summary, the available evidence is currently insufficient to determine the role of this variant in disease. Therefore, it has been classified as a Variant of Uncertain Significance.

NM_001130987.2(DYSF):c.1379T>C (p.Met460Thr)

Gene: DYSF (dysferlin; plus strand). Cytogenetic location: 2p13.2.
Variant type: single nucleotide variant.
Coding change: c.1379T>C on transcript NM_001130987.2 (MANE Select); coding-DNA position 1379, T replaced by C.
Protein change: p.Met460Thr; replaces methionine 460 with threonine.
Molecular consequence: missense variant.
Genome position (GRCh38, 1-based): chr2:71,528,400, T>C. VCF-style: chr2-71528400-T-C. GRCh37 (hg19) VCF-style: chr2-71755530-T-C.
Other names: c.1286T>C, p.Met429Thr (NM_001130455.2, NM_001130983.2, NM_001130984.2 and 1 more transcripts); c.1283T>C, p.Met428Thr (NM_001130976.2, NM_001130977.2, NM_001130978.2 and 1 more transcripts); c.1376T>C, p.Met459Thr (NM_001130979.2, NM_001130980.2, NM_001130981.2); c.1379T>C, p.Met460Thr (NM_001130982.2, NM_001130985.2); short protein forms M429T, M459T, M460T, M428T.
Identifiers: ClinVar variation 2191744 (VCV002191744.1), dbSNP rs376144240, ClinGen allele CA1705713.